The following is an entry in ClinVar:

ClinVar aggregate classification (germline): Uncertain significance (1 of 4 stars; one submission).

Submission:

Labcorp Genetics (formerly Invitae), Labcorp
Classification: Uncertain significance. Last evaluated: 2024-12-02. Review status: criteria provided, single submitter. Criteria: Invitae Variant Classification Sherloc (09022015). Collection method: clinical testing. Allele origin: germline.
Comment: This sequence change replaces alanine, which is neutral and non-polar, with valine, which is neutral and non-polar, at codon 1304 of the MPDZ protein (p.Ala1304Val). This variant is not present in population databases (gnomAD no frequency). This variant has not been reported in the literature in individuals affected with MPDZ-related conditions. ClinVar contains an entry for this variant (Variation ID: 1510508). An algorithm developed to predict the effect of missense changes on protein structure and function outputs the following: PolyPhen-2: "Benign". The valine amino acid residue is found in multiple mammalian species, which suggests that this missense change does not adversely affect protein function. In summary, the available evidence is currently insufficient to determine the role of this variant in disease. Therefore, it has been classified as a Variant of Uncertain Significance.

NM_001378778.1(MPDZ):c.3911C>T (p.Ala1304Val)

Gene: MPDZ (multiple PDZ domain crumbs cell polarity complex component; minus strand). Cytogenetic location: 9p23.
Variant type: single nucleotide variant.
Coding change: c.3911C>T on transcript NM_001378778.1 (MANE Select); coding-DNA position 3911, C replaced by T.
Protein change: p.Ala1304Val; replaces alanine 1304 with valine.
Molecular consequence: missense variant.
Genome position (GRCh38, 1-based): chr9:13,140,079, G>A on the plus strand (C>T on the coding strand, the complement: MPDZ is on the minus strand). VCF-style: chr9-13140079-G-A. GRCh37 (hg19) VCF-style: chr9-13140078-G-A.
Other names: c.3812C>T, p.Ala1271Val (NM_001261406.2, NM_001261407.2, NM_001375416.1 and 3 more transcripts); c.3911C>T, p.Ala1304Val (NM_001330637.2, NM_001375413.1, NM_003829.5); c.3701C>T, p.Ala1234Val (NM_001375420.1, NM_001375421.1, NM_001375422.1 and 4 more transcripts); c.3503C>T, p.Ala1168Val (NM_001375427.1); short protein forms A1304V, A1168V, A1234V, A1271V.
Identifiers: ClinVar variation 1510508 (VCV001510508.6), dbSNP rs2132457062, ClinGen allele CA372949656.